The following is an entry in ClinVar:

NM_033380.3(COL4A5):c.2185_2220dup (p.Gly740_Pro741insThrProGlyArgIleGlyLeuGluGlyProProGly)

Gene: COL4A5 (collagen type IV alpha 5 chain; plus strand). Cytogenetic location: Xq22.3.
Variant type: Duplication.
Coding change: c.2185_2220dup on transcript NM_033380.3 (MANE Select); coding-DNA positions 2185 to 2220, 36 bases duplicated.
Protein change: p.Gly740_Pro741insThrProGlyArgIleGlyLeuGluGlyProProGly.
Genome position (GRCh38, 1-based): chrX:108,603,002-108,603,037, 36 bases duplicated; duplicating any 36 consecutive bases within chrX:108,602,996-108,603,037 gives the same sequence; the c. name uses the placement nearest the transcript's 3' end. GRCh37 (hg19): chrX:107,846,232-107,846,267.
Other names: c.2185_2220dup, p.Gly740_Pro741insThrProGlyArgIleGlyLeuGluGlyProProGly (NM_000495.5).
Identifiers: ClinVar variation 3778506 (VCV003778506.7).

ClinVar aggregate classification (germline): Likely pathogenic (1 of 4 stars; one submission).

Submission:

CeGaT Center for Human Genetics Tuebingen
Classification: Likely pathogenic. Last evaluated: 2025-12-01. Review status: criteria provided, single submitter. Criteria: CeGaT Center For Human Genetics Tuebingen Variant Classification Criteria Version 2. Collection method: clinical testing. Allele origin: germline. Affected: yes. Observed: 2 variant alleles.
Comment: COL4A5: PM1:Strong, PM2, PM4